The following is an entry in ClinVar:

NM_000186.4(CFH):c.3405G>C (p.Glu1135Asp)

Gene: CFH (complement factor H; plus strand). Cytogenetic location: 1q31.3.
Variant type: single nucleotide variant.
Coding change: c.3405G>C on transcript NM_000186.4 (MANE Select); coding-DNA position 3405, G replaced by C.
Protein change: p.Glu1135Asp; replaces glutamic acid 1135 with aspartic acid.
Molecular consequence: missense variant.
Genome position (GRCh38, 1-based): chr1:196,745,911, G>C. VCF-style: chr1-196745911-G-C. GRCh37 (hg19) VCF-style: chr1-196715041-G-C.
Other names: short protein forms E1135D.
Identifiers: ClinVar variation 4291563 (VCV004291563.2).

ClinVar aggregate classification (germline): Uncertain significance. Review status: criteria provided, multiple submitters, no conflicts (2 of 4 stars). 2 submissions from 2 submitters: Uncertain significance (2). Last evaluated 2025-10-02.

Conditions:
Atypical hemolytic-uremic syndrome. Identifiers: Orphanet 2134, MedGen C2931788, MONDO:0016244.

gnomAD v4.1: 4 of 1,614,080 alleles (0.00025%); highest among the groups gnomAD compares: Non-Finnish European, 0.00034%; no homozygotes.

Submissions (2):

Genomenon, Inc
Classification: Uncertain significance for Atypical hemolytic-uremic syndrome. Last evaluated: 2025-10-02. Review status: criteria provided, single submitter. Criteria: Genomenon Sequence Variant Interpretation Standards - Updated. Collection method: curation. Allele origin: germline. Affected: yes.
Comment: CFH p.Glu1135Asp (c.3405G>C) is a missense variant that changes the amino acid at residue 1135 from Glutamic acid to Aspartic acid. This variant has been observed in at least one proband affected with atypical hemolytic-uremic syndrome (PMID:20059470). Functional studies have been reported (PMID:34189567). It is absent or not present at a significant frequency in gnomAD. In conclusion, we classify CFH p.Glu1135Asp (c.3405G>C) as a variant of uncertain significance.

Labcorp Genetics (formerly Invitae), Labcorp
Classification: Uncertain significance. Last evaluated: 2025-09-06. Review status: criteria provided, single submitter. Criteria: Invitae Variant Classification Sherloc (09022015). Collection method: clinical testing. Allele origin: germline.
Comment: This sequence change replaces glutamic acid, which is acidic and polar, with aspartic acid, which is acidic and polar, at codon 1135 of the CFH protein (p.Glu1135Asp). This variant is present in population databases (no rsID available, gnomAD 0.0009%). This missense change has been observed in individual(s) with atypical hemolytic uremic syndrome (PMID: 20059470). An algorithm developed to predict the effect of missense changes on protein structure and function (PolyPhen-2) suggests that this variant is likely to be disruptive. Experimental studies have shown that this missense change does not substantially affect CFH function (PMID: 34189567). In summary, the available evidence is currently insufficient to determine the role of this variant in disease. Therefore, it has been classified as a Variant of Uncertain Significance.

Literature cited by the submitters: PubMed 20059470 (cited by Genomenon, Inc and Labcorp Genetics (formerly Invitae), Labcorp); PubMed 34189567 (cited by Genomenon, Inc and Labcorp Genetics (formerly Invitae), Labcorp).